The following is an entry in ClinVar:

NM_080680.3(COL11A2):c.2295G>T (p.Arg765Ser)

Gene: COL11A2 (collagen type XI alpha 2 chain; minus strand). Cytogenetic location: 6p21.32.
Variant type: single nucleotide variant.
Coding change: c.2295G>T on transcript NM_080680.3 (MANE Select); coding-DNA position 2295, G replaced by T.
Protein change: p.Arg765Ser; replaces arginine 765 with serine.
Molecular consequence: missense variant.
Genome position (GRCh38, 1-based): chr6:33,175,655, C>A on the plus strand (G>T on the coding strand, the complement: COL11A2 is on the minus strand). VCF-style: chr6-33175655-C-A. GRCh37 (hg19) VCF-style: chr6-33143432-C-A.
Other names: c.1974G>T, p.Arg658Ser (NM_080679.3); c.2037G>T, p.Arg679Ser (NM_080681.3); short protein forms R765S, R679S, R658S.
Identifiers: ClinVar variation 377372 (VCV000377372.3), dbSNP rs962608488, ClinGen allele CA16603355.

ClinVar aggregate classification (germline): Uncertain significance (1 of 4 stars; one submission).

Submission:

Center for Pediatric Genomic Medicine, Children's Mercy Hospital and Clinics
Classification: Uncertain significance. Last evaluated: 2016-10-12. Review status: criteria provided, single submitter. Criteria: ACMG Guidelines, 2015. Collection method: clinical testing. Allele origin: germline.
ClinVar note: Converted during submission from Uncertain Significance to Uncertain significance.